The following is an entry in ClinVar:

NM_003383.5(VLDLR):c.-171G>C

Genes: VLDLR (very low density lipoprotein receptor; plus strand), VLDLR-AS1 (VLDLR antisense RNA 1; minus strand). Cytogenetic location: 9p24.2.
Variant type: single nucleotide variant.
Coding change: c.-171G>C on transcript NM_003383.5 (MANE Select); 171 bases upstream of the start codon, G replaced by C.
Molecular consequence: 5 prime UTR variant.
Genome position (GRCh38, 1-based): chr9:2,622,019, G>C. VCF-style: chr9-2622019-G-C. GRCh37 (hg19) VCF-style: chr9-2622019-G-C.
Other names: c.-171G>C (NM_001018056.3, NM_001322225.2, NM_001322226.2).
Identifiers: ClinVar variation 366347 (VCV000366347.30), dbSNP rs35763266, ClinGen allele CA10629825.

ClinVar aggregate classification (germline): Likely benign. Review status: criteria provided, multiple submitters, no conflicts (2 of 4 stars). 2 submissions from 2 submitters: Likely benign (2). Last evaluated 2023-06-01.

Conditions:
Cerebellar ataxia, impaired intellectual development, and dysequilibrium syndrome 1. Also called: Cerebellar hypoplasia and mental retardation with or without quadrupedal locomotion 1; Cerebellar ataxia, mental retardation, and dysequilibrium syndrome 1; Cerebellar ataxia, intellectual disability, and dysequilibrium syndrome 1; VLDLR Cerebellar Hypoplasia; CEREBELLAR ATAXIA AND MENTAL RETARDATION WITH OR WITHOUT QUADRUPEDAL LOCOMOTION 1; CEREBELLAR ATAXIA, CONGENITAL, AND MENTAL RETARDATION, AUTOSOMAL RECESSIVE. Identifiers: Orphanet 1766, MedGen C4551552, MONDO:0024542, OMIM 224050.

Allele frequency attached by ClinVar (database versions not stated): gnomAD 0.00593 and 0.00583; 1000 Genomes Project 30x 0.00265; 1000 Genomes Project 0.00280; TOPMed 0.00491; gnomAD exomes 0.00628.
gnomAD v4.1: 4,016 of 656,412 alleles (0.61%); highest among the groups gnomAD compares: Non-Finnish European, 0.79%; 20 homozygotes.

Submissions (2):

CeGaT Center for Human Genetics Tuebingen
Classification: Likely benign. Last evaluated: 2023-06-01. Review status: criteria provided, single submitter. Criteria: CeGaT Center For Human Genetics Tuebingen Variant Classification Criteria Version 2. Collection method: clinical testing. Allele origin: germline. Affected: yes. Observed: 8 variant alleles.
Comment: VLDLR: BS2

Illumina Laboratory Services, Illumina
Classification: Likely benign for Cerebellar ataxia, impaired intellectual development, and dysequilibrium syndrome 1. Last evaluated: 2018-01-12. Review status: criteria provided, single submitter. Criteria: ICSL Variant Classification Criteria 13 December 2019. Collection method: clinical testing. Allele origin: germline.
Comment: This variant was observed in the ICSL laboratory as part of a predisposition screen in an ostensibly healthy population. It had not been previously curated by ICSL or reported in the Human Gene Mutation Database (HGMD: prior to June 1st, 2018), and was therefore a candidate for classification through an automated scoring system. Utilizing variant allele frequency, disease prevalence and penetrance estimates, and inheritance mode, an automated score was calculated to assess if this variant is too frequent to cause the disease. Based on the score and internal cut-off values, a variant classified as likely benign is not then subjected to further curation. The score for this variant resulted in a classification of likely benign for this disease.